The following is an entry in ClinVar:

ClinVar aggregate classification (germline): Uncertain significance (1 of 4 stars; one submission).

Conditions:
Inborn genetic diseases. Identifiers: MedGen C0950123, MeSH D030342.

Submission:

Ambry Genetics
Classification: Uncertain significance for Inborn genetic diseases. Last evaluated: 2025-06-30. Review status: criteria provided, single submitter. Criteria: Ambry Variant Classification Scheme 2023. Collection method: clinical testing. Allele origin: germline.
Comment: The p.M1200I variant (also known as c.3600G>A), located in coding exon 17 of the MECOM gene, results from a G to A substitution at nucleotide position 3600. The methionine at codon 1200 is replaced by isoleucine, an amino acid with highly similar properties. This amino acid position is conserved. In addition, the in silico prediction for this alteration is inconclusive. Based on the available evidence, the clinical significance of this variant remains unclear.

NM_004991.4(MECOM):c.3600G>A (p.Met1200Ile)

Gene: MECOM (MDS1 and EVI1 complex locus; minus strand). Cytogenetic location: 3q26.2.
Variant type: single nucleotide variant.
Coding change: c.3600G>A on transcript NM_004991.4 (MANE Select); coding-DNA position 3600, G replaced by A.
Protein change: p.Met1200Ile; replaces methionine 1200 with isoleucine.
Molecular consequence: missense variant.
Genome position (GRCh38, 1-based): chr3:169,085,029, C>T on the plus strand (G>A on the coding strand, the complement: MECOM is on the minus strand). VCF-style: chr3-169085029-C-T. GRCh37 (hg19) VCF-style: chr3-168802817-C-T.
Other names: c.3036G>A, p.Met1012Ile (NM_001366469.2, NM_005241.4, NM_001105078.4 and 1 more transcripts); c.3012G>A, p.Met1004Ile (NM_001366470.2, NM_001163999.2); c.3009G>A, p.Met1003Ile (NM_001366471.2, NM_001366472.2, NM_001164000.2); c.2601G>A, p.Met867Ile (NM_001366473.2); c.2037G>A, p.Met679Ile (NM_001366474.2); c.3231G>A, p.Met1077Ile (NM_001105077.4); c.3573G>A, p.Met1191Ile (NM_001366466.2); c.3039G>A, p.Met1013Ile (NM_001366467.2, NM_001366468.2); short protein forms M1003I, M1004I, M1013I, M1077I, M1191I, M1200I, M679I, M867I.
Identifiers: ClinVar variation 4105745 (VCV004105745.1).